The following is an entry in ClinVar:

ClinVar aggregate classification (germline): Pathogenic; drug response. Review status: reviewed by expert panel (3 of 4 stars). 33 submissions from 31 submitters: Pathogenic (1). 31 of the submissions do not count toward it. Last evaluated 2021-03-24.

Conditions:
CFTR-related disorder (CFTR-RD). Also called: CFTR-related condition; CFTR-related disorders. Identifiers: MedGen C5924204, MONDO:7770004.
Cystic fibrosis (CF). Also called: MUCOVISCIDOSIS. Identifiers: Orphanet 586, MedGen C0010674, MONDO:0009061, OMIM 219700. Disease mechanism: loss of function.
Congenital bilateral aplasia of vas deferens from CFTR mutation (CBAVD). Identifiers: Orphanet 48, MedGen C0403814, MONDO:0010178, OMIM 277180. Disease mechanism: loss of function.
Hereditary pancreatitis (PCTT). Also called: Hereditary chronic pancreatitis; PRSS1-Related Hereditary Pancreatitis. Identifiers: Orphanet 676, MedGen C0238339, MONDO:0008185, OMIM 167800.
Bronchiectasis with or without elevated sweat chloride 1 (BESC1). Also called: Cystic Fibrosis-Like Syndrome. Identifiers: Orphanet 60033, MedGen C2749757, MONDO:0008887, OMIM 211400.
ivacaftor response - Efficacy. Identifiers: MedGen CN322735.

Allele frequency attached by ClinVar (database versions not stated): gnomAD 0.00012 and 0.00013; gnomAD exomes 0.00015 and 0.00019; TOPMed 0.00013; ExAC 0.00022.
gnomAD v4.1: 236 of 1,614,000 alleles (0.015%); highest among the groups gnomAD compares: Admixed American, 0.04%; no homozygotes.

Submissions 1 to 9 of 33:

ClinPGx
Classification: drug response for ivacaftor response - Efficacy. Last evaluated: 2021-03-24. Review status: reviewed by expert panel. Criteria: Pharmacogenomics knowledge for personalized medicine. Collection method: curation. Allele origin: germline. Affected: yes.
Comment: PharmGKB Level of Evidence 1A: Level 1A clinical annotations describe variant-drug combinations that have variant-specific prescribing guidance available in a current clinical guideline annotation or an FDA-approved drug label annotation. Annotations of drug labels or clinical guidelines must give prescribing guidance for specific variants (e.g. CYP2C9*3, HLA-B*57:01) or provide mapping from defined allele functions to diplotypes and phenotypes to be used as supporting evidence for a level 1A clinical annotation. Level 1A clinical annotations must also be supported by at least one publication in addition to a clinical guideline or drug label with variant-specific prescribing guidance.

Drug is not necessarily used to treat response condition

CFTR2
Classification: Pathogenic for Cystic fibrosis. Last evaluated: 2017-03-17. Review status: reviewed by expert panel. Criteria: Sosnay PR et al. (Nat Genet 2013). Collection method: research. Allele origin: germline. Affected: yes. Study: CFTR2.

PreventionGenetics, part of Exact Sciences
Classification: Pathogenic for CFTR-related condition. Last evaluated: 2026-07-09. Review status: criteria provided, single submitter. Criteria: ACMG Guidelines, 2015. Collection method: clinical testing. Allele origin: germline. Not counted in ClinVar's aggregate classification.
Comment: The CFTR c.617T>G variant is predicted to result in the amino acid substitution p.Leu206Trp. This variant has been reported to be causative for cystic fibrosis (see, for example, Chain et al. 2005. PubMed ID: 15776432; Sosnay et al. 2013. PubMed ID: 23974870). This variant is classified as pathogenic by multiple independent submitters to the ClinVar database, and has been reviewed by an expert panel (Variation ID: 7190). This variant is reported in 0.054% of alleles in individuals of Latino descent in gnomAD. In summary, we classify this variant as pathogenic.

Dasa
Classification: Pathogenic. Last evaluated: 2026-04-13. Review status: criteria provided, single submitter. Criteria: DASA Assertion Criteria. Collection method: clinical testing. Allele origin: germline. Not counted in ClinVar's aggregate classification.
Comment: NM_000492.4(CFTR):c.617T>G (p.Leu206Trp) is a missense variant that results in the substitution of leucine with tryptophan. This variant has been recurrently observed in individuals with related phenotype (PMID: 12955726; PMID: 7532150; PMID: 7545869). Multiple computational predictions support a deleterious effect on the gene or gene product. The variant is present at low frequency in population datasets. Based on the available data, this variant is classified as pathogenic.

Victorian Clinical Genetics Services, Murdoch Childrens Research Institute
Classification: Pathogenic for Cystic fibrosis. Last evaluated: 2026-01-27. Review status: criteria provided, single submitter. Criteria: ACMG Guidelines, 2015. Collection method: clinical testing. Allele origin: germline. Affected: no. Not counted in ClinVar's aggregate classification.
Comment: This variant is classified as Pathogenic. Evidence in support of pathogenic classification: Variant is present in gnomAD (v2) <0.01 for a recessive condition (51 heterozygotes, 0 homozygotes); This variant has strong previous evidence of pathogenicity in unrelated individuals. This variant has been reported many times as pathogenic, and observed in individuals with cystic fibrosis (ClinVar expert panel); Missense variant consistently predicted to be damaging by multiple in silico tools or highly conserved with a major amino acid change. Additional information: Variant is predicted to result in a missense amino acid change from leucine to tryptophan; This variant is heterozygous; This gene is associated with autosomal recessive disease; Variant is located in the annotated ABC membrane domain (DECIPHER); Loss of function is a known mechanism of disease in this gene and is associated with cystic fibrosis (MIM#219700); Inheritance information for this variant is not currently available in this individual.

Labcorp Genetics (formerly Invitae), Labcorp
Classification: Pathogenic for Cystic fibrosis. Last evaluated: 2026-01-24. Review status: criteria provided, single submitter. Criteria: Invitae Variant Classification Sherloc (09022015). Collection method: clinical testing. Allele origin: germline. Not counted in ClinVar's aggregate classification.
Comment: This sequence change replaces leucine, which is neutral and non-polar, with tryptophan, which is neutral and slightly polar, at codon 206 of the CFTR protein (p.Leu206Trp). This variant is present in population databases (rs121908752, gnomAD 0.06%). This missense change has been observed in individuals with cystic fibrosis (CF) and/or congenital bilateral absence of the vas deferens (CBAVD) and chronic pancreatitis (PMID: 15776432, 20021716, 21520337, 23751316, 23951356, 23974870, 27086061). ClinVar contains an entry for this variant (Variation ID: 7190). Invitae Evidence Modeling of protein sequence and biophysical properties (such as structural, functional, and spatial information, amino acid conservation, physicochemical variation, residue mobility, and thermodynamic stability) indicates that this missense variant is expected to disrupt CFTR protein function with a positive predictive value of 80%. Experimental studies have shown that this missense change affects CFTR function (PMID: 15776432, 23891399). For these reasons, this variant has been classified as Pathogenic.

Natera, Inc.
Classification: Pathogenic for CFTR-related disorders. Last evaluated: 2025-11-03. Review status: criteria provided, single submitter. Criteria: Natera Variant Classification Schema (03/2026). Collection method: clinical testing. Allele origin: germline. Not counted in ClinVar's aggregate classification.
Comment: The c.617T>G variant in CFTR is a missense variant predicted to cause substitution of leucine to tryptophan at amino acid 206. This variant is rare in the general population with a frequency below the threshold expected for the associated phenotype(s). This variant has been observed in one or more individuals affected with the associated recessive disease, as either homozygous or compound heterozygous with a second variant (PMID: 25963003). Computational prediction algorithms indicate this variant is likely to affect gene or protein function. Given the available evidence, this variant is classified as Pathogenic.

Quest Diagnostics Nichols Institute San Juan Capistrano
Classification: Pathogenic. Last evaluated: 2025-07-09. Review status: criteria provided, single submitter. Criteria: Quest Diagnostics criteria. Collection method: clinical testing. Allele origin: unknown. Not counted in ClinVar's aggregate classification.
Comment: The CFTR c.617T>G (p.Leu206Trp) variant has been reported in the published literature in individuals affected with CF and congenital bilateral absence of the vas deferens (CBAVD) (PMIDs: 7691344 (1993), 15776432 (2005), 17329263 (2007), 23891399 (2014)). In addition, in vitro functional analyses report this variant results in decreased chloride transport and maturation, and defective CFTR processing (PMID: 23974870 (2013), and 23891399 (2014)). The frequency of this variant in the general population (Genome Aggregation Database) is uninformative in the assessment of its pathogenicity. Analysis of this variant using bioinformatics tools for the prediction of the effect of amino acid changes on protein structure and function yielded predictions that this variant is damaging. Based on the available information, this variant is classified as pathogenic.

Revvity Omics, Revvity
Classification: Pathogenic. Last evaluated: 2025-05-28. Review status: criteria provided, single submitter. Criteria: ACMG Guidelines, 2015. Collection method: clinical testing. Allele origin: germline. Not counted in ClinVar's aggregate classification.

NM_000492.4(CFTR):c.617T>G (p.Leu206Trp)

Gene: CFTR (CF transmembrane conductance regulator; plus strand). Cytogenetic location: 7q31.2.
Variant type: single nucleotide variant.
Coding change: c.617T>G on transcript NM_000492.4 (MANE Select); coding-DNA position 617, T replaced by G.
Protein change: p.Leu206Trp; replaces leucine 206 with tryptophan.
Molecular consequence: missense variant.
Genome position (GRCh38, 1-based): chr7:117,535,285, T>G. VCF-style: chr7-117535285-T-G. GRCh37 (hg19) VCF-style: chr7-117175339-T-G.
Other names: short protein forms L206W.
Identifiers: ClinVar variation 7190 (VCV000007190.104), dbSNP rs121908752, ClinGen allele CA221035.